The following is an entry in ClinVar:

NM_018230.3(NUP133):c.1694G>A (p.Ser565Asn)

Gene: NUP133 (nucleoporin 133; minus strand). Cytogenetic location: 1q42.13.
Variant type: single nucleotide variant.
Coding change: c.1694G>A on transcript NM_018230.3 (MANE Select); coding-DNA position 1694, G replaced by A.
Protein change: p.Ser565Asn; replaces serine 565 with asparagine.
Molecular consequence: missense variant.
Genome position (GRCh38, 1-based): chr1:229,477,659, C>T on the plus strand (G>A on the coding strand, the complement: NUP133 is on the minus strand). VCF-style: chr1-229477659-C-T. GRCh37 (hg19) VCF-style: chr1-229613406-C-T.
Other names: short protein forms S565N.
Identifiers: ClinVar variation 2020121 (VCV002020121.4), dbSNP rs1350043966, ClinGen allele CA345162331.

ClinVar aggregate classification (germline): Uncertain significance (1 of 4 stars; one submission).

Submission:

Labcorp Genetics (formerly Invitae), Labcorp
Classification: Uncertain significance. Last evaluated: 2022-07-29. Review status: criteria provided, single submitter. Criteria: Invitae Variant Classification Sherloc (09022015). Collection method: clinical testing. Allele origin: germline.
Comment: This sequence change replaces serine, which is neutral and polar, with asparagine, which is neutral and polar, at codon 565 of the NUP133 protein (p.Ser565Asn). This variant is not present in population databases (gnomAD no frequency). This variant has not been reported in the literature in individuals affected with NUP133-related conditions. Algorithms developed to predict the effect of missense changes on protein structure and function are either unavailable or do not agree on the potential impact of this missense change (SIFT: "Tolerated"; PolyPhen-2: "Possibly Damaging"; Align-GVGD: "Class C0"). In summary, the available evidence is currently insufficient to determine the role of this variant in disease. Therefore, it has been classified as a Variant of Uncertain Significance.